The following is an entry in ClinVar:

NM_000071.3(CBS):c.316+737T>C

Gene: CBS (cystathionine beta-synthase; minus strand). Cytogenetic location: 21q22.3.
Variant type: single nucleotide variant.
Coding change: c.316+737T>C on transcript NM_000071.3 (MANE Select); 737 bases into the intron after coding-DNA position 316, T replaced by C.
Molecular consequence: intron variant.
Genome position (GRCh38, 1-based): chr21:43,067,772, A>G on the plus strand (T>C on the coding strand, the complement: CBS is on the minus strand). VCF-style: chr21-43067772-A-G. GRCh37 (hg19) VCF-style: chr21-44487882-A-G.
Other names: c.316+737T>C (NM_001320298.2, NM_001178009.3, NM_001178008.3); c.1+6T>C (NM_001321072.1).
Identifiers: ClinVar variation 3895400 (VCV003895400.1), dbSNP rs1367496095.

ClinVar aggregate classification (germline): Likely benign (1 of 4 stars; one submission).

Submission:

Molecular Diagnostic Laboratory for Inherited Cardiovascular Disease, Montreal Heart Institute
Classification: Likely benign. Last evaluated: 2025-04-09. Review status: criteria provided, single submitter. Criteria: ACMG Guidelines, 2015. Collection method: clinical testing. Allele origin: germline. Affected: no.
Comment: PM2